The following is an entry in ClinVar:

NM_000059.4(BRCA2):c.754G>A (p.Asp252Asn)

Gene: BRCA2 (BRCA2 DNA repair associated; plus strand). Cytogenetic location: 13q13.1.
Variant type: single nucleotide variant.
Coding change: c.754G>A on transcript NM_000059.4 (MANE Select); coding-DNA position 754, G replaced by A.
Protein change: p.Asp252Asn; replaces aspartic acid 252 with asparagine.
Molecular consequence: missense variant.
Genome position (GRCh38, 1-based): chr13:32,330,991, G>A. VCF-style: chr13-32330991-G-A. GRCh37 (hg19) VCF-style: chr13-32905128-G-A.
Other names: short protein forms D252N.
Identifiers: ClinVar variation 142771 (VCV000142771.27), dbSNP rs549269828, ClinGen allele CA025142.

ClinVar aggregate classification (germline): Conflicting classifications of pathogenicity. Review status: criteria provided, conflicting classifications (1 of 4 stars). 9 submissions from 9 submitters: Uncertain significance (6); Likely benign (2). 1 of the submissions does not count toward it. Last evaluated 2026-02-02.

Conditions:
Hereditary cancer-predisposing syndrome. Also called: Tumor predisposition; Hereditary Cancer Syndrome; Hereditary neoplastic syndrome; Neoplastic Syndromes, Hereditary. Identifiers: Orphanet 140162, MedGen C0027672, MeSH D009386, MONDO:0015356.
Hereditary breast ovarian cancer syndrome. Also called: Hereditary breast and ovarian cancer syndrome (HBOC); Breast and ovarian cancer; Hereditary breast and ovarian cancer; Hereditary breast and ovarian cancer syndrome; BRCA1- and BRCA2-Associated Hereditary Breast and Ovarian Cancer; Hereditary breast and/or ovarian cancer syndrome. Identifiers: Orphanet 145, MedGen C0677776, MeSH D061325, MONDO:0003582. Disease mechanism: loss of function.
Breast-ovarian cancer, familial, susceptibility to, 2 (BROVCA2). Also called: BRCA2 Hereditary Breast and Ovarian Cancer. Identifiers: Orphanet 145, MedGen C2675520, MONDO:0012933, OMIM 612555. Disease mechanism: loss of function.

Allele frequency attached by ClinVar (database versions not stated): gnomAD exomes 0.00001; TOPMed 0.00001; gnomAD 0.00001; 1000 Genomes Project 0.00020; ExAC 0.00001; 1000 Genomes Project 30x 0.00031.
gnomAD v4.1: 7 of 1,613,472 alleles (0.00043%); highest among the groups gnomAD compares: Non-Finnish European, 0.00034%; no homozygotes.

Submissions (9):

Myriad Genetics, Inc.
Classification: Likely benign for Breast-ovarian cancer, familial, susceptibility to, 2. Last evaluated: 2026-02-02. Review status: criteria provided, single submitter. Criteria: Myriad Autosomal Dominant, Autosomal Recessive and X-Linked Classification Criteria (2023). Collection method: clinical testing. Allele origin: unknown.
Comment: This variant is considered likely benign. This variant is strongly associated with less severe personal and family histories of cancer, typical for individuals without pathogenic variants in this gene [PMID: 25085752].

Ambry Genetics
Classification: Uncertain significance for Hereditary cancer-predisposing syndrome. Last evaluated: 2025-10-27. Review status: criteria provided, single submitter. Criteria: Ambry Variant Classification Scheme 2023. Collection method: clinical testing. Allele origin: germline.
Comment: The p.D252N variant (also known as c.754G>A), located in coding exon 8 of the BRCA2 gene, results from a G to A substitution at nucleotide position 754. The aspartic acid at codon 252 is replaced by asparagine, an amino acid with highly similar properties. This amino acid position is not well conserved in available vertebrate species, and asparagine is the reference amino acid in other vertebrate species. In addition, this alteration is predicted to be tolerated by in silico analysis. Since supporting evidence is limited at this time, the clinical significance of this alteration remains unclear.

Labcorp Genetics (formerly Invitae), Labcorp
Classification: Uncertain significance for Hereditary breast ovarian cancer syndrome. Last evaluated: 2025-10-07. Review status: criteria provided, single submitter. Criteria: Invitae Variant Classification Sherloc (09022015). Collection method: clinical testing. Allele origin: germline.
Comment: This sequence change replaces aspartic acid, which is acidic and polar, with asparagine, which is neutral and polar, at codon 252 of the BRCA2 protein (p.Asp252Asn). The frequency data for this variant in the population databases is considered unreliable, as metrics indicate poor data quality at this position in the gnomAD database. This missense change has been observed in individual(s) with breast and/or ovarian cancer (PMID: 21147080, 25136594). This variant is also known as c.982 G>A p.D252N. ClinVar contains an entry for this variant (Variation ID: 142771). Invitae Evidence Modeling of protein sequence and biophysical properties (such as structural, functional, and spatial information, amino acid conservation, physicochemical variation, residue mobility, and thermodynamic stability) indicates that this missense variant is not expected to disrupt BRCA2 protein function with a negative predictive value of 95%. In summary, the available evidence is currently insufficient to determine the role of this variant in disease. Therefore, it has been classified as a Variant of Uncertain Significance.

Color Diagnostics, LLC DBA Color Health
Classification: Likely benign for Hereditary cancer-predisposing syndrome. Last evaluated: 2024-10-07. Review status: criteria provided, single submitter. Criteria: ACMG Guidelines, 2015. Collection method: clinical testing. Allele origin: germline.

All of Us Research Program, National Institutes of Health
Classification: Uncertain significance for Breast-ovarian cancer, familial, susceptibility to, 2. Last evaluated: 2023-12-13. Review status: criteria provided, single submitter. Criteria: ACMG Guidelines, 2015. Collection method: clinical testing. Allele origin: germline. Inheritance: Autosomal dominant inheritance. Observed: 2 variant alleles, 2 heterozygotes.
Comment: This missense variant replaces aspartic acid with asparagine at codon 252 of the BRCA2 protein. Computational prediction suggests that this variant may not impact protein structure and function (internally defined REVEL score threshold <= 0.5, PMID: 27666373). To our knowledge, functional studies have not been reported for this variant. This variant has been reported in individuals with personal or family history of breast cancer and/or ovarian cancer (PMID: 21147080, 25136594) and in two unaffected individuals (PMID: 33471991; Leiden Open Variation Database DB-ID BRCA2_007750). This variant has been identified in 2/250900 chromosomes in the general population by the Genome Aggregation Database (gnomAD). The available evidence is insufficient to determine the role of this variant in disease conclusively. Therefore, this variant is classified as a Variant of Uncertain Significance.

This study involves interpretation of variants in research participants for the purpose of population health screening. Participant phenotype was not available at the time of variant classification. Additional details can be found in publication PMID: 35346344, PMCID: PMC8962531

Quest Diagnostics Nichols Institute San Juan Capistrano
Classification: Uncertain significance. Last evaluated: 2023-05-03. Review status: criteria provided, single submitter. Criteria: Quest Diagnostics criteria. Collection method: clinical testing. Allele origin: unknown.
Comment: The frequency of this variant in the general population, 0.000008 (2/250900 chromosomes), is uninformative in assessment of its pathogenicity. In the published literature, the variant has been reported in individuals with hereditary breast and/or ovarian cancer (PMID: 21147080 (2011), 25136594 (2014)), as well as in an unaffected individual (PMID: 33471991 (2021)). Analysis of this variant using bioinformatics tools for the prediction of the effect of amino acid changes on protein structure and function yielded predictions that this variant is benign. Based on the available information, we are unable to determine the clinical significance of this variant.

GeneDx
Classification: Uncertain significance. Last evaluated: 2020-01-21. Review status: criteria provided, single submitter. Criteria: GeneDx Variant Classification Process June 2021. Collection method: clinical testing. Allele origin: germline. Affected: yes.
Comment: Observed in individuals with personal or family history of breast and ovarian cancer (de Juan Jimenez 2011, Ruiz 2014); Not observed at a significant frequency in large population cohorts (Lek 2016); In silico analysis, which includes protein predictors and evolutionary conservation, supports that this variant does not alter protein structure/function; Also known as 982G>A; This variant is associated with the following publications: (PMID: 31131967, 25136594, 21147080)

Mendelics
Classification: Uncertain significance for Breast-ovarian cancer, familial, susceptibility to, 2. Last evaluated: 2019-05-28. Review status: criteria provided, single submitter. Criteria: Mendelics Assertion Criteria 2017. Collection method: clinical testing. Allele origin: unknown.

Counsyl
Classification: Uncertain significance for Breast-ovarian cancer, familial, susceptibility to, 2. Last evaluated: 2016-06-17. Review status: no assertion criteria provided. Collection method: clinical testing. Allele origin: unknown. Not counted in ClinVar's aggregate classification.

Literature cited by the submitters: PubMed 25085752 (cited by Myriad Genetics, Inc.); PubMed 21147080 (cited by 4 submitters); PubMed 25136594 (cited by 4 submitters); PubMed 33471991 (cited by All of Us Research Program, National Institutes of Health and Quest Diagnostics Nichols Institute San Juan Capistrano).